The following is an entry in ClinVar:

ClinVar aggregate classification (germline): Uncertain significance (1 of 4 stars; one submission).

Submission:

Labcorp Genetics (formerly Invitae), Labcorp
Classification: Uncertain significance. Last evaluated: 2025-10-25. Review status: criteria provided, single submitter. Criteria: Invitae Variant Classification Sherloc (09022015). Collection method: clinical testing. Allele origin: germline.
Comment: This sequence change replaces leucine, which is neutral and non-polar, with valine, which is neutral and non-polar, at codon 138 of the APOA1 protein (p.Leu138Val). This variant is not present in population databases (gnomAD no frequency). This variant has not been reported in the literature in individuals affected with APOA1-related conditions. An algorithm developed to predict the effect of missense changes on protein structure and function outputs the following: PolyPhen-2: "Benign". The valine amino acid residue is found in multiple mammalian species, which suggests that this missense change does not adversely affect protein function. In summary, the available evidence is currently insufficient to determine the role of this variant in disease. Therefore, it has been classified as a Variant of Uncertain Significance.

NM_000039.3(APOA1):c.412C>G (p.Leu138Val)

Genes: APOA1 (apolipoprotein A1; minus strand), APOA1-AS (APOA1 antisense RNA; plus strand). Cytogenetic location: 11q23.3.
Variant type: single nucleotide variant.
Coding change: c.412C>G on transcript NM_000039.3 (MANE Select); coding-DNA position 412, C replaced by G.
Protein change: p.Leu138Val; replaces leucine 138 with valine.
Molecular consequence: missense variant. On other transcripts: non-coding transcript variant (1).
Genome position (GRCh38, 1-based): chr11:116,836,200, G>C on the plus strand (C>G on the coding strand, the complement: APOA1 is on the minus strand). VCF-style: chr11-116836200-G-C. GRCh37 (hg19) VCF-style: chr11-116706916-G-C.
Other names: c.412C>G, p.Leu138Val (NM_001318017.2, NM_001318018.2, NM_001425090.1 and 1 more transcripts); c.85C>G, p.Leu29Val (NM_001318021.2, NM_001425091.1, NM_001425092.1); short protein forms L138V, L29V.
Identifiers: ClinVar variation 4767430 (VCV004767430.1).
Genomic context (GRCh38, chr11:116,836,200, plus strand): 5'-GCTTCTGGCGCGCGCCCTCTTGGAGCTCTGCGCGCAGCGGCTCCACCTTCTGGCGGTAGA[G>C]CTCCATCTCCTCCTGCCACTTCTTCTGGAAGTCGTCCAGGTAGGGCTGCACCTTGGCCTT-3'
Protein context (NP_000030.1, residues 128-148): FQKKWQEEME[Leu138Val]YRQKVEPLRA